The following is an entry in ClinVar:

ClinVar aggregate classification (germline): Uncertain significance (1 of 4 stars; one submission).

Conditions:
Gingival disorder. Also called: Gingival disease. Identifiers: MedGen C0017563, MONDO:0002021.

Allele frequency attached by ClinVar (database versions not stated): gnomAD exomes below 0.00001 and 0.00001; TOPMed below 0.00001; ExAC 0.00001; gnomAD 0.00001.
gnomAD v4.1: 4 of 1,614,074 alleles (0.00025%); highest among the groups gnomAD compares: Admixed American, 0.0017%; no homozygotes.

Submission:

Labcorp Genetics (formerly Invitae), Labcorp
Classification: Uncertain significance for Gingival disorder. Last evaluated: 2025-02-17. Review status: criteria provided, single submitter. Criteria: Invitae Variant Classification Sherloc (09022015). Collection method: clinical testing. Allele origin: germline.
Comment: This sequence change replaces leucine, which is neutral and non-polar, with valine, which is neutral and non-polar, at codon 300 of the FPR1 protein (p.Leu300Val). This variant is present in population databases (rs768241723, gnomAD 0.002%). This variant has not been reported in the literature in individuals affected with FPR1-related conditions. ClinVar contains an entry for this variant (Variation ID: 835264). An algorithm developed to predict the effect of missense changes on protein structure and function (PolyPhen-2) suggests that this variant is likely to be disruptive. In summary, the available evidence is currently insufficient to determine the role of this variant in disease. Therefore, it has been classified as a Variant of Uncertain Significance.

NM_002029.4(FPR1):c.898C>G (p.Leu300Val)

Gene: FPR1 (formyl peptide receptor 1; minus strand). Cytogenetic location: 19q13.41.
Variant type: single nucleotide variant.
Coding change: c.898C>G on transcript NM_002029.4 (MANE Select); coding-DNA position 898, C replaced by G.
Protein change: p.Leu300Val; replaces leucine 300 with valine.
Molecular consequence: missense variant.
Genome position (GRCh38, 1-based): chr19:51,746,097, G>C on the plus strand (C>G on the coding strand, the complement: FPR1 is on the minus strand). VCF-style: chr19-51746097-G-C. GRCh37 (hg19) VCF-style: chr19-52249350-G-C.
Other names: c.898C>G, p.Leu300Val (NM_001193306.2); short protein forms L300V.
Identifiers: ClinVar variation 835264 (VCV000835264.11), dbSNP rs768241723, ClinGen allele CA9616364.
Genomic context (GRCh38, chr19:51,746,097, plus strand): 5'-GACTGGCGGGAAGGGCGTGGATCAGCCTCTCCCGGAAGTCCTGGCCCATGAAGACATAGA[G>C]CATGGGGTTGAGGCAGCTGTTGAAGAAGGCCAGGGCACTTGTCACATCCACTGCAATACC-3'
Protein context (NP_002020.1, residues 290-310): AFFNSCLNPM[Leu300Val]YVFMGQDFRE